The following is an entry in ClinVar:

NM_000629.3(IFNAR1):c.1570C>A (p.His524Asn)

Gene: IFNAR1 (interferon alpha and beta receptor subunit 1; plus strand). Cytogenetic location: 21q22.11.
Variant type: single nucleotide variant.
Coding change: c.1570C>A on transcript NM_000629.3 (MANE Select); coding-DNA position 1570, C replaced by A.
Protein change: p.His524Asn; replaces histidine 524 with asparagine.
Molecular consequence: missense variant. On other transcripts: 3 prime UTR variant (1).
Genome position (GRCh38, 1-based): chr21:33,355,445, C>A. VCF-style: chr21-33355445-C-A. GRCh37 (hg19) VCF-style: chr21-34727751-C-A.
Other names: c.1570C>A, p.His524Asn (NM_001384498.1); c.*119C>A (NM_001384499.1); c.808C>A, p.His270Asn (NM_001384500.1); c.1540C>A, p.His514Asn (NM_001384501.1); c.1108C>A, p.His370Asn (NM_001384502.1); c.1555C>A, p.His519Asn (NM_001384503.1); c.1363C>A, p.His455Asn (NM_001384504.1); short protein forms H370N, H455N, H524N, H514N, H519N, H270N.
Identifiers: ClinVar variation 1976717 (VCV001976717.5), dbSNP rs749808658, ClinGen allele CA10006794.

ClinVar aggregate classification (germline): Uncertain significance (1 of 4 stars; one submission).

Allele frequency attached by ClinVar (database versions not stated): ExAC 0.00001; gnomAD 0.00001.
gnomAD v4.1: 3 of 1,600,626 alleles (0.00019%); highest among the groups gnomAD compares: Non-Finnish European, 0.00026%; no homozygotes.

Submission:

Labcorp Genetics (formerly Invitae), Labcorp
Classification: Uncertain significance. Last evaluated: 2022-03-13. Review status: criteria provided, single submitter. Criteria: Invitae Variant Classification Sherloc (09022015). Collection method: clinical testing. Allele origin: germline.
Comment: In summary, the available evidence is currently insufficient to determine the role of this variant in disease. Therefore, it has been classified as a Variant of Uncertain Significance. Algorithms developed to predict the effect of missense changes on protein structure and function (SIFT, PolyPhen-2, Align-GVGD) all suggest that this variant is likely to be tolerated. This variant has not been reported in the literature in individuals affected with IFNAR1-related conditions. This variant is present in population databases (rs749808658, gnomAD 0.0009%). This sequence change replaces histidine, which is basic and polar, with asparagine, which is neutral and polar, at codon 524 of the IFNAR1 protein (p.His524Asn).